The following is an entry in ClinVar:

NM_001211.6(BUB1B):c.2759T>G (p.Val920Gly)

Genes: BUB1B (BUB1 mitotic checkpoint serine/threonine kinase B; plus strand), BUB1B-PAK6 (BUB1B-PAK6 readthrough; plus strand). Cytogenetic location: 15q15.1.
Variant type: single nucleotide variant.
Coding change: c.2759T>G on transcript NM_001211.6 (MANE Select); coding-DNA position 2759, T replaced by G.
Protein change: p.Val920Gly; replaces valine 920 with glycine.
Molecular consequence: missense variant. On other transcripts: 5 prime UTR variant (2).
Genome position (GRCh38, 1-based): chr15:40,217,576, T>G. VCF-style: chr15-40217576-T-G. GRCh37 (hg19) VCF-style: chr15-40509777-T-G.
Other names: c.-292T>G (NM_001128628.3); c.-209T>G (NM_001128629.3); short protein forms V920G.
Identifiers: ClinVar variation 3262204 (VCV003262204.3).

ClinVar aggregate classification (germline): Uncertain significance. Review status: criteria provided, multiple submitters, no conflicts (2 of 4 stars). 2 submissions from 2 submitters: Uncertain significance (2). Last evaluated 2024-10-03.

Conditions:
Inborn genetic diseases. Identifiers: MedGen C0950123, MeSH D030342.
Mosaic variegated aneuploidy syndrome 1 (MVA1). Also called: Warburton-Anyane-Yeboa syndrome. Identifiers: Orphanet 1052, MedGen C1850343, MONDO:0009759, OMIM 257300.

Submissions (2):

Labcorp Genetics (formerly Invitae), Labcorp
Classification: Uncertain significance for Mosaic variegated aneuploidy syndrome 1. Last evaluated: 2024-10-03. Review status: criteria provided, single submitter. Criteria: Invitae Variant Classification Sherloc (09022015). Collection method: clinical testing. Allele origin: germline.
Comment: This sequence change replaces valine, which is neutral and non-polar, with glycine, which is neutral and non-polar, at codon 920 of the BUB1B protein (p.Val920Gly). This variant is not present in population databases (gnomAD no frequency). This variant has not been reported in the literature in individuals affected with BUB1B-related conditions. An algorithm developed to predict the effect of missense changes on protein structure and function (PolyPhen-2) suggests that this variant is likely to be disruptive. In summary, the available evidence is currently insufficient to determine the role of this variant in disease. Therefore, it has been classified as a Variant of Uncertain Significance.

Ambry Genetics
Classification: Uncertain significance for Inborn genetic diseases. Last evaluated: 2024-05-28. Review status: criteria provided, single submitter. Criteria: Ambry Variant Classification Scheme 2023. Collection method: clinical testing. Allele origin: germline.
Comment: The p.V920G variant (also known as c.2759T>G), located in coding exon 21 of the BUB1B gene, results from a T to G substitution at nucleotide position 2759. The valine at codon 920 is replaced by glycine, an amino acid with dissimilar properties. This amino acid position is conserved. In addition, this alteration is predicted to be tolerated by in silico analysis. Based on the available evidence, the clinical significance of this variant remains unclear.